The following is an entry in ClinVar:

NM_002439.5(MSH3):c.2899A>T (p.Thr967Ser)

Gene: MSH3 (mutS homolog 3; plus strand). Cytogenetic location: 5q14.1.
Variant type: single nucleotide variant.
Coding change: c.2899A>T on transcript NM_002439.5 (MANE Select); coding-DNA position 2899, A replaced by T.
Protein change: p.Thr967Ser; replaces threonine 967 with serine.
Molecular consequence: missense variant.
Genome position (GRCh38, 1-based): chr5:80,854,215, A>T. VCF-style: chr5-80854215-A-T. GRCh37 (hg19) VCF-style: chr5-80150034-A-T.
Other names: short protein forms T967S.
Identifiers: ClinVar variation 1797376 (VCV001797376.2), dbSNP rs1019486187, ClinGen allele CA360275647.
Genomic context (GRCh38, chr5:80,854,215, plus strand): 5'-AAAGGACAGAGTACATTTATGGAAGAACTGACTGACACAGCAGAAATAATCAGAAAAGCA[A>T]CATCACAGTCCTTGGTTATCTTGGATGAACTAGGAAGAGGGACGAGCACTCATGATGGAA-3'
Protein context (NP_002430.3, residues 957-977): TDTAEIIRKA[Thr967Ser]SQSLVILDEL

ClinVar aggregate classification (germline): Uncertain significance (1 of 4 stars; one submission).

Conditions:
Hereditary cancer-predisposing syndrome. Also called: Tumor predisposition; Hereditary Cancer Syndrome; Neoplastic Syndromes, Hereditary; Hereditary neoplastic syndrome. Identifiers: Orphanet 140162, MedGen C0027672, MeSH D009386, MONDO:0015356.

Submission:

Ambry Genetics
Classification: Uncertain significance for Hereditary cancer-predisposing syndrome. Last evaluated: 2022-07-02. Review status: criteria provided, single submitter. Criteria: Ambry Variant Classification Scheme 2023. Collection method: clinical testing. Allele origin: germline.
Comment: The p.T967S variant (also known as c.2899A>T), located in coding exon 21 of the MSH3 gene, results from an A to T substitution at nucleotide position 2899. The threonine at codon 967 is replaced by serine, an amino acid with similar properties. This amino acid position is conserved. In addition, the in silico prediction for this alteration is inconclusive. Since supporting evidence is limited at this time, the clinical significance of this alteration remains unclear.